The following is an entry in ClinVar:

NM_004364.5(CEBPA):c.301G>A (p.Gly101Ser)

Gene: CEBPA (CCAAT enhancer binding protein alpha; minus strand). Cytogenetic location: 19q13.11.
Variant type: single nucleotide variant.
Coding change: c.301G>A on transcript NM_004364.5 (MANE Select); coding-DNA position 301, G replaced by A.
Protein change: p.Gly101Ser; replaces glycine 101 with serine.
Molecular consequence: missense variant. On other transcripts: 5 prime UTR variant (1).
Genome position (GRCh38, 1-based): chr19:33,302,114, C>T on the plus strand (G>A on the coding strand, the complement: CEBPA is on the minus strand). VCF-style: chr19-33302114-C-T. GRCh37 (hg19) VCF-style: chr19-33793020-C-T.
Other names: c.-57G>A (NM_001285829.2); c.406G>A, p.Gly136Ser (NM_001287424.2); c.259G>A, p.Gly87Ser (NM_001287435.2); short protein forms G136S, G101S, G87S.
Identifiers: ClinVar variation 2723440 (VCV002723440.4), dbSNP rs1600023637, ClinGen allele CA405275239.

ClinVar aggregate classification (germline): Uncertain significance. Review status: criteria provided, multiple submitters, no conflicts (2 of 4 stars). 2 submissions from 2 submitters: Uncertain significance (2). Last evaluated 2026-06-21.

Conditions:
Acute myeloid leukemia (AML). Also called: Acute myeloid leukemia, adult; AML adult; Acute non-lymphocytic leukemia; Acute granulocytic leukemia; Leukemia, acute myeloid, somatic; Leukemia, acute myelogenous, somatic. Identifiers: Orphanet 519, MedGen C0023467, MeSH D015470, MONDO:0018874, OMIM 601626, HP:0004808. Disease mechanism: Constitutively activated FLT3.
Inborn genetic diseases. Identifiers: MedGen C0950123, MeSH D030342.

Allele frequency attached by ClinVar (database versions not stated): gnomAD exomes below 0.00001.
gnomAD v4.1: 1 of 1,346,126 alleles (0.000074%); highest among the groups gnomAD compares: Non-Finnish European, 0.000096%; no homozygotes.

Submissions (2):

Ambry Genetics
Classification: Uncertain significance for Inborn genetic diseases. Last evaluated: 2026-06-21. Review status: criteria provided, single submitter. Criteria: Ambry Variant Classification Scheme 2023. Collection method: clinical testing. Allele origin: germline.
Comment: The p.G101S variant (also known as c.301G>A), located in coding exon 1 of the CEBPA gene, results from a G to A substitution at nucleotide position 301. The glycine at codon 101 is replaced by serine, an amino acid with similar properties. This amino acid position is conserved. In addition, this alteration is predicted to be tolerated by in silico analysis. Based on the available evidence, the clinical significance of this variant remains unclear.

Labcorp Genetics (formerly Invitae), Labcorp
Classification: Uncertain significance for Acute myeloid leukemia. Last evaluated: 2023-05-08. Review status: criteria provided, single submitter. Criteria: Invitae Variant Classification Sherloc (09022015). Collection method: clinical testing. Allele origin: germline.
Comment: In summary, the available evidence is currently insufficient to determine the role of this variant in disease. Therefore, it has been classified as a Variant of Uncertain Significance. An algorithm developed to predict the effect of missense changes on protein structure and function (PolyPhen-2) suggests that this variant is likely to be disruptive. This variant has not been reported in the literature in individuals affected with CEBPA-related conditions. This variant is not present in population databases (gnomAD no frequency). This sequence change replaces glycine, which is neutral and non-polar, with serine, which is neutral and polar, at codon 101 of the CEBPA protein (p.Gly101Ser).